The following is an entry in ClinVar:

NM_022114.4(PRDM16):c.3323C>T (p.Pro1108Leu)

Gene: PRDM16 (PR/SET domain 16; plus strand). Cytogenetic location: 1p36.32.
Variant type: single nucleotide variant.
Coding change: c.3323C>T on transcript NM_022114.4 (MANE Select); coding-DNA position 3323, C replaced by T.
Protein change: p.Pro1108Leu; replaces proline 1108 with leucine.
Molecular consequence: missense variant.
Genome position (GRCh38, 1-based): chr1:3,430,910, C>T. VCF-style: chr1-3430910-C-T. GRCh37 (hg19) VCF-style: chr1-3347474-C-T.
Other names: c.3323C>T, p.Pro1108Leu (NM_199454.3); short protein forms P1108L.
Identifiers: ClinVar variation 3218400 (VCV003218400.2), dbSNP rs1466756635, ClinGen allele CA338003754.

ClinVar aggregate classification (germline): Uncertain significance. Review status: criteria provided, multiple submitters, no conflicts (2 of 4 stars). 2 submissions from 2 submitters: Uncertain significance (2). Last evaluated 2025-02-28.

Conditions:
Left ventricular noncompaction 8 (LVNC8). Identifiers: Orphanet 154, Orphanet 54260, MedGen C3809288, MONDO:0014152, OMIM 615373.
Inborn genetic diseases. Identifiers: MedGen C0950123, MeSH D030342.

gnomAD v4.1: 7 of 1,613,966 alleles (0.00043%); highest among the groups gnomAD compares: African/African-American, 0.0013%; no homozygotes.

Submissions (2):

Labcorp Genetics (formerly Invitae), Labcorp
Classification: Uncertain significance for Left ventricular noncompaction 8. Last evaluated: 2025-02-28. Review status: criteria provided, single submitter. Criteria: Invitae Variant Classification Sherloc (09022015). Collection method: clinical testing. Allele origin: germline.
Comment: This sequence change replaces proline, which is neutral and non-polar, with leucine, which is neutral and non-polar, at codon 1108 of the PRDM16 protein (p.Pro1108Leu). This variant is not present in population databases (gnomAD no frequency). This variant has not been reported in the literature in individuals affected with PRDM16-related conditions. ClinVar contains an entry for this variant (Variation ID: 3218400). An algorithm developed to predict the effect of missense changes on protein structure and function (PolyPhen-2) suggests that this variant is likely to be tolerated. In summary, the available evidence is currently insufficient to determine the role of this variant in disease. Therefore, it has been classified as a Variant of Uncertain Significance.

Ambry Genetics
Classification: Uncertain significance for Inborn genetic diseases. Last evaluated: 2023-10-13. Review status: criteria provided, single submitter. Criteria: Ambry Variant Classification Scheme 2023. Collection method: clinical testing. Allele origin: germline.